The following is an entry in ClinVar:

NM_001211.6(BUB1B):c.1060A>G (p.Thr354Ala)

Gene: BUB1B (BUB1 mitotic checkpoint serine/threonine kinase B; plus strand). Cytogenetic location: 15q15.1.
Variant type: single nucleotide variant.
Coding change: c.1060A>G on transcript NM_001211.6 (MANE Select); coding-DNA position 1060, A replaced by G.
Protein change: p.Thr354Ala; replaces threonine 354 with alanine.
Molecular consequence: missense variant.
Genome position (GRCh38, 1-based): chr15:40,196,546, A>G. VCF-style: chr15-40196546-A-G. GRCh37 (hg19) VCF-style: chr15-40488747-A-G.
Other names: short protein forms T354A.
Identifiers: ClinVar variation 1780125 (VCV001780125.8), dbSNP rs971985015, ClinGen allele CA268790939.
Genomic context (GRCh38, chr15:40,196,546, plus strand): 5'-AATCTTATTGATTTTTTTTATTTTGACCCATATGAATAATAGTAATTTTGCTTCTTTAGG[A>G]CACCATGTAAAATTGAACCTAGTATAAACCACATCCTAAGCACCAGAAAGCCTGGAAAGG-3'
Protein context (NP_001202.5, residues 344-364): VEETARQPVM[Thr354Ala]PCKIEPSINH

ClinVar aggregate classification (germline): Uncertain significance. Review status: criteria provided, multiple submitters, no conflicts (2 of 4 stars). 3 submissions from 3 submitters: Uncertain significance (3). Last evaluated 2026-02-20.

Conditions:
Mosaic variegated aneuploidy syndrome 1 (MVA1). Also called: Warburton-Anyane-Yeboa syndrome. Identifiers: Orphanet 1052, MedGen C1850343, MONDO:0009759, OMIM 257300.
Inborn genetic diseases. Identifiers: MedGen C0950123, MeSH D030342.

Allele frequency attached by ClinVar (database versions not stated): gnomAD exomes below 0.00001.
gnomAD v4.1: 2 of 1,613,100 alleles (0.00012%); highest among the groups gnomAD compares: Non-Finnish European, 0.00017%; no homozygotes.

Submissions (3):

St. Jude Molecular Pathology, St. Jude Children's Research Hospital
Classification: Uncertain significance for Mosaic variegated aneuploidy syndrome 1. Last evaluated: 2026-02-20. Review status: criteria provided, single submitter. Criteria: St. Jude Assertion Criteria 2020. Collection method: clinical testing. Allele origin: germline.
Comment: the BUB1B gene are associated with mosaic variegated aneuploidy (MVA) syndrome, a rare disorder characterized by a broad spectrum of congenital abnormalities including growth retardation, microcephaly, and dev elopmental delay. Individuals with MVA also have an increased risk of childhood cancers including Wilms tumor, rhabdomyosarcoma, acute lymphoblastic leukemia, and granulosa cell malignant tumor of the ovary (OMIM ID: 257300). The BUB1B c.1060A>G p.(Thr35 4Ala) missense has a maximum subpopulation frequency of 0.00088% in gnomAD v2.1.1. The in silico tool REVEL predicts a benign effect on protein function, but to our knowledge this prediction has not been confirmed by functional studies. To our knowledge, this variant has not been reported in individuals with mosaic variegated aneuploidy syndrome. In summary, the evidence currently available is insufficient to determine the role of this variant in mosaic variegated an euploidy syndrome. It has therefore been classified as of uncertain significance.

Labcorp Genetics (formerly Invitae), Labcorp
Classification: Uncertain significance for Mosaic variegated aneuploidy syndrome 1. Last evaluated: 2025-10-26. Review status: criteria provided, single submitter. Criteria: Invitae Variant Classification Sherloc (09022015). Collection method: clinical testing. Allele origin: germline.
Comment: This sequence change replaces threonine, which is neutral and polar, with alanine, which is neutral and non-polar, at codon 354 of the BUB1B protein (p.Thr354Ala). This variant is present in population databases (no rsID available, gnomAD 0.0009%). This variant has not been reported in the literature in individuals affected with BUB1B-related conditions. ClinVar contains an entry for this variant (Variation ID: 1780125). An algorithm developed to predict the effect of missense changes on protein structure and function (PolyPhen-2) suggests that this variant is likely to be disruptive. In summary, the available evidence is currently insufficient to determine the role of this variant in disease. Therefore, it has been classified as a Variant of Uncertain Significance.

Ambry Genetics
Classification: Uncertain significance for Inborn genetic diseases. Last evaluated: 2023-10-15. Review status: criteria provided, single submitter. Criteria: Ambry Variant Classification Scheme 2023. Collection method: clinical testing. Allele origin: germline.
Comment: The p.T354A variant (also known as c.1060A>G), located in coding exon 9 of the BUB1B gene, results from an A to G substitution at nucleotide position 1060. The threonine at codon 354 is replaced by alanine, an amino acid with similar properties. This amino acid position is conserved. In addition, this alteration is predicted to be tolerated by in silico analysis. Since supporting evidence is limited at this time, the clinical significance of this alteration remains unclear.